The following is an entry in ClinVar:

ClinVar aggregate classification (germline): Uncertain significance (1 of 4 stars; one submission).

Conditions:
Hereditary cancer-predisposing syndrome. Also called: Neoplastic Syndromes, Hereditary; Tumor predisposition; Hereditary Cancer Syndrome; Hereditary neoplastic syndrome. Identifiers: Orphanet 140162, MedGen C0027672, MeSH D009386, MONDO:0015356.

Submission:

Ambry Genetics
Classification: Uncertain significance for Hereditary cancer-predisposing syndrome. Last evaluated: 2025-10-01. Review status: criteria provided, single submitter. Criteria: Ambry Variant Classification Scheme 2023. Collection method: clinical testing. Allele origin: germline.
Comment: The p.I1025K variant (also known as c.3074T>A), located in coding exon 15 of the APC gene, results from a T to A substitution at nucleotide position 3074. The isoleucine at codon 1025 is replaced by lysine, an amino acid with dissimilar properties. This amino acid position is highly conserved in available vertebrate species. In addition, in silico predictors for this gene do not accurately predict pathogenicity. Based on the available evidence, the clinical significance of this variant remains unclear.

NM_000038.6(APC):c.3074T>A (p.Ile1025Lys)

Gene: APC (APC regulator of Wnt signaling pathway; plus strand). Cytogenetic location: 5q22.2.
Variant type: single nucleotide variant.
Coding change: c.3074T>A on transcript NM_000038.6 (MANE Select); coding-DNA position 3074, T replaced by A.
Protein change: p.Ile1025Lys; replaces isoleucine 1025 with lysine.
Molecular consequence: missense variant. On other transcripts: non-coding transcript variant (2).
Genome position (GRCh38, 1-based): chr5:112,838,668, T>A. VCF-style: chr5-112838668-T-A. GRCh37 (hg19) VCF-style: chr5-112174365-T-A.
Other names: c.3074T>A, p.Ile1025Lys (NM_001127510.3, NM_001354895.2, NM_001407450.1); c.3020T>A, p.Ile1007Lys (NM_001127511.3); c.3128T>A, p.Ile1043Lys (NM_001354896.2, NM_001407447.1, NM_001407448.1 and 1 more transcripts); c.3104T>A, p.Ile1035Lys (NM_001354897.2); c.2999T>A, p.Ile1000Lys (NM_001354898.2); c.2990T>A, p.Ile997Lys (NM_001354899.2); c.2951T>A, p.Ile984Lys (NM_001354900.2); c.2897T>A, p.Ile966Lys (NM_001354901.2, NM_001407453.1); and 11 more; short protein forms I1000K, I896K, I942K, I984K, I1007K, I1015K, I641K, I742K.
Identifiers: ClinVar variation 4578595 (VCV004578595.1).